The following is an entry in ClinVar:

ClinVar aggregate classification (germline): Likely benign. Review status: criteria provided, multiple submitters, no conflicts (2 of 4 stars). 3 submissions from 3 submitters: Likely benign (2). 1 of the submissions does not count toward it. Last evaluated 2021-11-09.

Conditions:
AGT-related disorder. Also called: AGT-related condition.
Essential hypertension, genetic (EHT). Identifiers: MedGen CN305331, MONDO:0007781, OMIM 145500.
Renal tubular dysgenesis of genetic origin. Also called: PRIMITIVE RENAL TUBULE SYNDROME. Identifiers: Orphanet 97369, MedGen C5681536, MONDO:0009970, OMIM 267430.

Submissions (3):

Fulgent Genetics
Classification: Likely benign for Essential hypertension, genetic; Renal tubular dysgenesis of genetic origin. Last evaluated: 2021-11-09. Review status: criteria provided, single submitter. Criteria: ACMG Guidelines, 2015. Collection method: clinical testing. Allele origin: unknown.

Labcorp Genetics (formerly Invitae), Labcorp
Classification: Likely benign. Last evaluated: 2018-06-08. Review status: criteria provided, single submitter. Criteria: Invitae Variant Classification Sherloc (09022015). Collection method: clinical testing. Allele origin: germline.

PreventionGenetics, part of Exact Sciences
Classification: Likely benign for AGT-related condition. Last evaluated: 2021-03-10. Review status: no assertion criteria provided. Collection method: clinical testing. Allele origin: germline. Not counted in ClinVar's aggregate classification.
Comment: This variant is classified as likely benign based on ACMG/AMP sequence variant interpretation guidelines (Richards et al. 2015 PMID: 25741868, with internal and published modifications).

NM_001384479.1(AGT):c.906C>A

Gene: AGT (angiotensinogen; minus strand). Cytogenetic location: 1q42.2.
Variant type: single nucleotide variant.
Coding change: c.906C>A on transcript NM_001384479.1 (MANE Select); coding-DNA position 906, C replaced by A.
Genome position (GRCh38, 1-based): chr1:230,706,124, G>T on the plus strand (C>A on the coding strand, the complement: AGT is on the minus strand). VCF-style: chr1-230706124-G-T. GRCh37 (hg19) VCF-style: chr1-230841870-G-T.
Other names: NM_000029.3:c.933C>A.
Identifiers: ClinVar variation 758268 (VCV000758268.6), dbSNP rs776504572, ClinGen allele CA424036519.